The following is an entry in ClinVar:

NM_001378778.1(MPDZ):c.2248C>T (p.Arg750Ter)

Gene: MPDZ (multiple PDZ domain crumbs cell polarity complex component; minus strand). Cytogenetic location: 9p23.
Variant type: single nucleotide variant.
Coding change: c.2248C>T on transcript NM_001378778.1 (MANE Select); coding-DNA position 2248, C replaced by T.
Protein change: p.Arg750Ter; replaces arginine 750 with a stop codon.
Molecular consequence: nonsense.
Genome position (GRCh38, 1-based): chr9:13,188,900, G>A on the plus strand (C>T on the coding strand, the complement: MPDZ is on the minus strand). VCF-style: chr9-13188900-G-A. GRCh37 (hg19) VCF-style: chr9-13188899-G-A.
Other names: c.2248C>T, p.Arg750Ter (NM_001261406.2, NM_001261407.2, NM_001330637.2 and 14 more transcripts); short protein forms R750*.
Identifiers: ClinVar variation 1459553 (VCV001459553.8), dbSNP rs752219824, ClinGen allele CA4987519.
Genomic context (GRCh38, chr9:13,188,900, plus strand): 5'-CTTCTACAGCTTCCTCAAGACTGCTGTTTTCCAAGTTAACATCGTTTACAAACATGAGTC[G>A]GTCACCAGGAAGAAGTCGTCCATCCTTTTCAGCAATGCCGCCAGGCACCAAAGAACGAAT-3'

ClinVar aggregate classification (germline): Pathogenic (1 of 4 stars; one submission).

Allele frequency attached by ClinVar (database versions not stated): gnomAD 0.00001; TOPMed 0.00002; ExAC 0.00007.
gnomAD v4.1: 16 of 1,613,318 alleles (0.00099%); highest among the groups gnomAD compares: African/African-American, 0.0027%; no homozygotes.

Submission:

Labcorp Genetics (formerly Invitae), Labcorp
Classification: Pathogenic. Last evaluated: 2022-03-02. Review status: criteria provided, single submitter. Criteria: Invitae Variant Classification Sherloc (09022015). Collection method: clinical testing. Allele origin: germline.
Comment: For these reasons, this variant has been classified as Pathogenic. Algorithms developed to predict the effect of sequence changes on RNA splicing suggest that this variant may create or strengthen a splice site. This premature translational stop signal has been observed in individual(s) with autosomal recessive hydrocephalus (PMID: 28460636). This variant is present in population databases (rs752219824, gnomAD 0.007%). This sequence change creates a premature translational stop signal (p.Arg750*) in the MPDZ gene. It is expected to result in an absent or disrupted protein product. Loss-of-function variants in MPDZ are known to be pathogenic (PMID: 23240096, 28556411).

Literature cited by the submitters: PubMed 28460636; PubMed 23240096; PubMed 28556411.